The following is an entry in ClinVar:

NM_004656.4(BAP1):c.1438A>G (p.Thr480Ala)

Gene: BAP1 (BRCA1 associated deubiquitinase 1; minus strand). Cytogenetic location: 3p21.1.
Variant type: single nucleotide variant.
Coding change: c.1438A>G on transcript NM_004656.4 (MANE Select); coding-DNA position 1438, A replaced by G.
Protein change: p.Thr480Ala; replaces threonine 480 with alanine.
Molecular consequence: missense variant.
Genome position (GRCh38, 1-based): chr3:52,403,707, T>C on the plus strand (A>G on the coding strand, the complement: BAP1 is on the minus strand). VCF-style: chr3-52403707-T-C. GRCh37 (hg19) VCF-style: chr3-52437723-T-C.
Other names: short protein forms T480A.
Identifiers: ClinVar variation 653713 (VCV000653713.6), dbSNP rs138030353, ClinGen allele CA2436803.

ClinVar aggregate classification (germline): Uncertain significance (1 of 4 stars; one submission).

Conditions:
BAP1-related tumor predisposition syndrome (TPDS1). Also called: Tumor susceptibility linked to germline BAP1 mutations; BAP1 tumor predisposition syndrome; TUMOR PREDISPOSITION SYNDROME 1; COMMON Syndrome. Identifiers: Orphanet 289539, MedGen C3280492, MONDO:0013692, OMIM 614327.

Allele frequency attached by ClinVar (database versions not stated): gnomAD exomes below 0.00001; ExAC 0.00001; gnomAD 0.00001; TOPMed 0.00001; ESP Exome Variant Server 0.00008.

Submission:

Labcorp Genetics (formerly Invitae), Labcorp
Classification: Uncertain significance for BAP1-related tumor predisposition syndrome. Last evaluated: 2018-07-24. Review status: criteria provided, single submitter. Criteria: Invitae Variant Classification Sherloc (09022015). Collection method: clinical testing. Allele origin: germline.
Comment: This variant has not been reported in the literature in individuals with BAP1-related disease. Algorithms developed to predict the effect of missense changes on protein structure and function output the following: SIFT: "Tolerated"; PolyPhen-2: "Benign"; Align-GVGD: "Class C0". The alanine amino acid residue is found in multiple mammalian species, suggesting that this missense change does not adversely affect protein function. These predictions have not been confirmed by published functional studies and their clinical significance is uncertain. In summary, the available evidence is currently insufficient to determine the role of this variant in disease. Therefore, it has been classified as a Variant of Uncertain Significance. This variant is present in population databases (rs138030353, ExAC 0.002%). This sequence change replaces threonine with alanine at codon 480 of the BAP1 protein (p.Thr480Ala). The threonine residue is moderately conserved and there is a small physicochemical difference between threonine and alanine.